The following is an entry in ClinVar:

NM_001453.3(FOXC1):c.-437C>T

Genes: FOXC1 (forkhead box C1; plus strand), LOC129995600 (ATAC-STARR-seq lymphoblastoid silent region 16824; plus strand). Cytogenetic location: 6p25.3.
Variant type: single nucleotide variant.
Coding change: c.-437C>T on transcript NM_001453.3 (MANE Select); 437 bases upstream of the start codon, C replaced by T.
Molecular consequence: 5 prime UTR variant.
Genome position (GRCh38, 1-based): chr6:1,610,009, C>T. VCF-style: chr6-1610009-C-T. GRCh37 (hg19) VCF-style: chr6-1610244-C-T.
Identifiers: ClinVar variation 4984117 (VCV004984117.1).
Genomic context (GRCh38, chr6:1,610,009, plus strand): 5'-TAAGCGGCTGGCGCGCGAGAGACCGAGAAAAGGTGACGCGGGGCCCGGGCAGGCGGCCGG[C>T]GCGCGGCCCCCCCCCCCCCCGCCCTGGTTATTTGGCCGCCTTCGCCGGCAGCTCAGGGCA-3'

ClinVar aggregate classification (germline): Likely benign (1 of 4 stars; one submission).

Conditions:
FOXC1-related disorder. Also called: FOXC1-related condition.

Submission:

PreventionGenetics, part of Exact Sciences
Classification: Likely benign for FOXC1-related condition. Last evaluated: 2025-04-29. Review status: criteria provided, single submitter. Criteria: ACMG Guidelines, 2015. Collection method: clinical testing. Allele origin: germline.
Comment: This variant is classified as likely benign based on ACMG/AMP sequence variant interpretation guidelines (Richards et al. 2015 PMID: 25741868, with internal and published modifications).